The following is an entry in ClinVar:

NM_144672.4(OTOA):c.775T>C (p.Trp259Arg)

Gene: OTOA (otoancorin). Cytogenetic location: 16p12.2.
Variant type: single nucleotide variant.
Coding change: c.775T>C on transcript NM_144672.4 (MANE Select); coding-DNA position 775, T replaced by C.
Protein change: p.Trp259Arg; replaces tryptophan 259 with arginine.
Molecular consequence: missense variant.
Genome position (GRCh38, 1-based): chr16:21,697,810, T>C. VCF-style: chr16-21697810-T-C. GRCh37 (hg19) VCF-style: chr16-21709131-T-C.
Other names: c.538T>C, p.Trp180Arg (NM_001161683.2); short protein forms W259R, W180R.
Identifiers: ClinVar variation 666890 (VCV000666890.7), dbSNP rs1476325639, ClinGen allele CA395059424.

ClinVar aggregate classification (germline): Uncertain significance. Review status: criteria provided, multiple submitters, no conflicts (2 of 4 stars). 3 submissions from 3 submitters: Uncertain significance (3). Last evaluated 2023-07-25.

Conditions:
Inborn genetic diseases. Identifiers: MedGen C0950123, MeSH D030342.

Allele frequency attached by ClinVar (database versions not stated): gnomAD 0.00002 and 0.00003; gnomAD exomes 0.00002; TOPMed 0.00002.
gnomAD v4.1: 35 of 1,614,168 alleles (0.0022%); highest among the groups gnomAD compares: Admixed American, 0.0067%; no homozygotes.

Submissions (3):

Ambry Genetics
Classification: Uncertain significance for Inborn genetic diseases. Last evaluated: 2023-07-25. Review status: criteria provided, single submitter. Criteria: Ambry Variant Classification Scheme 2023. Collection method: clinical testing. Allele origin: germline.

Blueprint Genetics
Classification: Uncertain significance. Last evaluated: 2022-02-01. Review status: criteria provided, single submitter. Criteria: ACMG Guidelines, 2015. Collection method: clinical testing. Allele origin: germline.

Laboratory for Molecular Medicine, Mass General Brigham Personalized Medicine
Classification: Uncertain significance. Last evaluated: 2018-02-27. Review status: criteria provided, single submitter. Criteria: LMM Criteria. Collection method: clinical testing. Allele origin: germline. Observed: 1 variant allele.
Comment: The p.Trp259Arg variant in OTOA has not been previously reported in individuals with hearing loss, but has been identified in 3/33582 Latino chromosomes by the Genome Aggregation Database (gnomAD). Although this variant has been seen in the general population, its frequency is not high enough to rule out a pathogenic role. Computational prediction tools and conser vation analysis suggest that the p.Trp259Arg variant may impact the protein, tho ugh this information is not predictive enough to determine pathogenicity. In sum mary, the clinical significance of the p.Trp259Arg variant is uncertain. ACMG/A MP Criteria applied: PM2; PP3.